The following is an entry in ClinVar:

NM_000026.4(ADSL):c.802G>A (p.Asp268Asn)

Gene: ADSL (adenylosuccinate lyase; plus strand). Cytogenetic location: 22q13.1.
Variant type: single nucleotide variant.
Coding change: c.802G>A on transcript NM_000026.4 (MANE Select); coding-DNA position 802, G replaced by A.
Protein change: p.Asp268Asn; replaces aspartic acid 268 with asparagine.
Molecular consequence: missense variant. On other transcripts: non-coding transcript variant (1).
Genome position (GRCh38, 1-based): chr22:40,361,282, G>A. VCF-style: chr22-40361282-G-A. GRCh37 (hg19) VCF-style: chr22-40757286-G-A.
Other names: c.802G>A, p.Asp268Asn (NM_001123378.3, NM_001363840.3); c.610G>A, p.Asp204Asn (NM_001317923.2); short protein forms D204N, D268N.
Identifiers: ClinVar variation 1070511 (VCV001070511.15), dbSNP rs746501563, ClinGen allele CA10247835.
Genomic context (GRCh38, chr22:40,361,282, plus strand): 5'-CTACTGCACACTGACAGTGTGGGGTGATGCTTATTCCCCTACCTCCCCCAGATTTGCACC[G>A]ACATACGCCTCCTGGCAAACCTCAAGGAGATGGAGGAACCCTTTGAAAAACAGCAGATTG-3'
Protein context (NP_000017.1, residues 258-278): LGASVHKICT[Asp268Asn]IRLLANLKEM

ClinVar aggregate classification (germline): Pathogenic/Likely pathogenic. Review status: criteria provided, multiple submitters, no conflicts (2 of 4 stars). 4 submissions from 4 submitters: Pathogenic (3); Likely pathogenic (1). Last evaluated 2022-03-01.

Conditions:
Adenylosuccinate lyase deficiency (ADSLD). Also called: ADSL DEFICIENCY. Identifiers: Orphanet 46, MedGen C0268126, MONDO:0007068, OMIM 103050.

Allele frequency attached by ClinVar (database versions not stated): gnomAD 0.00001; ExAC 0.00002; gnomAD exomes 0.00002; 1000 Genomes Project 30x 0.00031.

Submissions (4):

Fulgent Genetics
Classification: Pathogenic for Adenylosuccinate lyase deficiency. Last evaluated: 2022-03-01. Review status: criteria provided, single submitter. Criteria: ACMG Guidelines, 2015. Collection method: clinical testing. Allele origin: unknown.

Labcorp Genetics (formerly Invitae), Labcorp
Classification: Pathogenic for Adenylosuccinate lyase deficiency. Last evaluated: 2020-09-30. Review status: criteria provided, single submitter. Criteria: Invitae Variant Classification Sherloc (09022015). Collection method: clinical testing. Allele origin: germline.
Comment: For these reasons, this variant has been classified as Pathogenic. This variant disrupts the p.Asp268 amino acid residue in ADSL. Other variant(s) that disrupt this residue have been observed in individuals with ADSL-related conditions (PMID: 18524658), which suggests that this may be a clinically significant amino acid residue. This variant has been reported to affect ADSL protein function (PMID: 10888601, 20127976). This variant has been observed in individual(s) with adenylosuccinate lyase deficiency (PMID: 10888601, 20127976, 23055421, 29302074, Invitae). In at least one individual the data is consistent with the variant being in trans (on the opposite chromosome) from a pathogenic variant. This variant is present in population databases (rs746501563, ExAC 0.01%). This sequence change replaces aspartic acid with asparagine at codon 268 of the ADSL protein (p.Asp268Asn). The aspartic acid residue is highly conserved and there is a small physicochemical difference between aspartic acid and asparagine.

Revvity Omics, Revvity
Classification: Pathogenic for Adenylosuccinate lyase deficiency. Last evaluated: 2019-01-18. Review status: criteria provided, single submitter. Criteria: ACMG Guidelines, 2015. Collection method: clinical testing. Allele origin: germline.

Juno Genomics, Hangzhou Juno Genomics, Inc
Classification: Likely pathogenic for Adenylosuccinate lyase deficiency. Review status: criteria provided, single submitter. Criteria: ACMG Guidelines, 2015. Collection method: clinical testing. Allele origin: germline.
Comment: Absent from controls (or at extremely low frequency if recessive) in Genome Aggregation Database.;Multiple lines of computational evidence support a deleterious effect on the gene or gene product.;For recessive disorders, detected in trans with a pathogenic variant.;Patient's phenotype or family history is highly specific for a disease with a single genetic etiology.

Literature cited by the submitters: PubMed 18524658 (cited by Labcorp Genetics (formerly Invitae), Labcorp); PubMed 10888601 (cited by Labcorp Genetics (formerly Invitae), Labcorp); PubMed 20127976 (cited by Labcorp Genetics (formerly Invitae), Labcorp); PubMed 23055421 (cited by Labcorp Genetics (formerly Invitae), Labcorp); PubMed 29302074 (cited by Labcorp Genetics (formerly Invitae), Labcorp).